The following is an entry in ClinVar:

NM_000136.3(FANCC):c.165+2_165+3insTT

Gene: FANCC (FA complementation group C; minus strand). Cytogenetic location: 9q22.32.
Variant type: Insertion.
Coding change: c.165+2_165+3insTT on transcript NM_000136.3 (MANE Select); the canonical splice donor site of the intron after coding-DNA position 165 through 3 bases into the intron after coding-DNA position 165, TT inserted.
Molecular consequence: splice donor variant.
Genome position: GRCh38 VCF-style: chr9-95249124-T-TAA. GRCh37 (hg19) VCF-style: chr9-98011406-T-TAA.
Other names: c.165+2_165+3insTT (NM_001243743.2, NM_001243744.2).
Identifiers: ClinVar variation 1777239 (VCV001777239.4), dbSNP rs2542859349, ClinGen allele CA2580080693.
Genomic context (GRCh38, chr9:95,249,124, plus strand): 5'-GGTGAAATCTGGTAGAGTCCCTGAAGTCAGAAAATAATTTCATTATTCTGGTCCACTACT[T>TAA]ACCATCTCTTTCAAGGCTTCATACATCTTCCTTAGGAACTCCTGGAACTGAGCCACGTGA-3'

ClinVar aggregate classification (germline): Conflicting classifications of pathogenicity. Review status: criteria provided, conflicting classifications (1 of 4 stars). 2 submissions from 2 submitters: Likely pathogenic (1); Uncertain significance (1). Last evaluated 2026-02-13.

Conditions:
Hereditary cancer-predisposing syndrome. Also called: Tumor predisposition; Hereditary Cancer Syndrome; Hereditary neoplastic syndrome; Neoplastic Syndromes, Hereditary. Identifiers: Orphanet 140162, MedGen C0027672, MeSH D009386, MONDO:0015356.

Submissions (2):

Ambry Genetics
Classification: Uncertain significance for Hereditary cancer-predisposing syndrome. Last evaluated: 2026-02-13. Review status: criteria provided, single submitter. Criteria: Ambry Variant Classification Scheme 2023. Collection method: clinical testing. Allele origin: germline.
Comment: The c.165+2_165+3insTT intronic variant, results from an insertion of two nucleotides at nucleotide position 165 after intron 1 of the FANCC gene. Other variant(s) impacting the same donor site (c.165+1G>T) have been identified in individual(s) with features consistent with Fanconi anemia (Hartmann L et al. Am J Hum Genet, 2010 Oct;87:480-93). This nucleotide position is highly conserved in available vertebrate species. In silico splice site analysis predicts that this alteration may weaken the native splice donor site. Based on the available evidence, the clinical significance of this variant remains unclear.

Clinical Genetics Laboratory, Skane University Hospital Lund
Classification: Likely pathogenic. Last evaluated: 2024-03-18. Review status: criteria provided, single submitter. Criteria: ACMG Guidelines, 2015. Collection method: clinical testing. Allele origin: germline. Affected: yes.

Literature cited by the submitters: PubMed 20869034 (cited by Ambry Genetics).